The following is an entry in ClinVar:

NC_000005.10:g.(?_162101225)_(162153368_?)del

Gene: GABRG2 (gamma-aminobutyric acid type A receptor subunit gamma2; plus strand). Cytogenetic location: 5q34.
Variant type: Deletion.
Identifiers: ClinVar variation 830557 (VCV000830557.9).

ClinVar aggregate classification (germline): Pathogenic (1 of 4 stars; one submission).

Conditions:
Febrile seizures, familial, 8 (FEB8). Also called: CONVULSIONS, FAMILIAL FEBRILE, 8. Identifiers: Orphanet 36387, MedGen C1969810, MONDO:0011891, OMIM 607681.
EPILEPSY, CHILDHOOD ABSENCE, SUSCEPTIBILITY TO, 2 (ECA2). Identifiers: Orphanet 64280, MedGen C1843244, OMIM 607681.

Submission:

Labcorp Genetics (formerly Invitae), Labcorp
Classification: Pathogenic for Febrile seizures, familial, 8; EPILEPSY, CHILDHOOD ABSENCE, SUSCEPTIBILITY TO, 2. Last evaluated: 2022-08-16. Review status: criteria provided, single submitter. Criteria: Invitae Variant Classification Sherloc (09022015). Collection method: clinical testing. Allele origin: germline.
Comment: For these reasons, this variant has been classified as Pathogenic. This variant disrupts a region of the GABRG2 protein in which other variant(s) (p.Trp390*) have been determined to be pathogenic (PMID: 18566737). This suggests that this is a clinically significant region of the protein, and that variants that disrupt it are likely to be disease-causing. This variant has not been reported in the literature in individuals affected with GABRG2-related conditions. This variant is a gross deletion of the genomic region encompassing exon(s) 5-9 of the GABRG2 gene, which includes the termination codon. This deletion extends beyond the assayed region for this gene and therefore may encompass additional genes. While this deletion is not anticipated to lead to nonsense mediated decay, it is expected to alter mRNA translation or result in a truncated protein product.

Literature cited by the submitters: PubMed 18566737.